The following is an entry in ClinVar:

NM_014415.4(ZBTB11):c.594G>A (p.Gln198=)

Gene: ZBTB11 (zinc finger and BTB domain containing 11; minus strand). Cytogenetic location: 3q12.3.
Variant type: single nucleotide variant.
Coding change: c.594G>A on transcript NM_014415.4 (MANE Select); coding-DNA position 594, G replaced by A.
Protein change: p.Gln198=; no amino-acid change (glutamine 198 retained).
Molecular consequence: synonymous variant.
Genome position (GRCh38, 1-based): chr3:101,671,314, C>T on the plus strand (G>A on the coding strand, the complement: ZBTB11 is on the minus strand). VCF-style: chr3-101671314-C-T. GRCh37 (hg19) VCF-style: chr3-101390158-C-T.
Identifiers: ClinVar variation 2654015 (VCV002654015.24), dbSNP rs142606496, ClinGen allele CA2521342.
Genomic context (GRCh38, chr3:101,671,314, plus strand): 5'-CAAAGTAACATCACAGAACTGGTTGGAAAGTCTCTGTTCGTTCAGCTGTTTTAAGACAGC[C>T]TGACAATGTTTTGGAGAAGAACGTTTTACCACTCCTTTGGTGTCAACCTGTCAAAATAAG-3'
Protein context (NP_055230.2, residues 188-208): VVKRSSPKHC[Gln198=]AVLKQLNEQR

ClinVar aggregate classification (germline): Likely benign (1 of 4 stars; one submission).

Allele frequency attached by ClinVar (database versions not stated): TOPMed 0.00008; gnomAD 0.00009; ESP Exome Variant Server 0.00015; ExAC 0.00031; 1000 Genomes Project 30x 0.00047; 1000 Genomes Project 0.00060.
gnomAD v4.1: 195 of 1,614,140 alleles (0.012%); highest among the groups gnomAD compares: South Asian, 0.18%; 2 homozygotes.

Submission:

CeGaT Center for Human Genetics Tuebingen
Classification: Likely benign. Last evaluated: 2023-01-01. Review status: criteria provided, single submitter. Criteria: CeGaT Center For Human Genetics Tuebingen Variant Classification Criteria Version 2. Collection method: clinical testing. Allele origin: germline. Affected: yes. Observed: 1 variant allele.
Comment: ZBTB11: BP4, BP7